The following is an entry in ClinVar:

ClinVar aggregate classification (germline): Pathogenic (1 of 4 stars; one submission).

Conditions:
Primary pulmonary hypertension. Also called: Idiopathic pulmonary hypertension. Identifiers: MedGen C0152171.

Submission:

Labcorp Genetics (formerly Invitae), Labcorp
Classification: Pathogenic for Primary pulmonary hypertension. Last evaluated: 2021-10-05. Review status: criteria provided, single submitter. Criteria: Invitae Variant Classification Sherloc (09022015). Collection method: clinical testing. Allele origin: germline.
Comment: This sequence change creates a premature translational stop signal (p.Thr137Asnfs*10) in the BMPR2 gene. It is expected to result in an absent or disrupted protein product. Loss-of-function variants in BMPR2 are known to be pathogenic (PMID: 16429395). This variant is not present in population databases (ExAC no frequency). This variant has not been reported in the literature in individuals affected with BMPR2-related conditions. For these reasons, this variant has been classified as Pathogenic.

Literature cited by the submitters: PubMed 16429395.

NM_001204.7(BMPR2):c.409dup (p.Thr137fs)

Gene: BMPR2 (bone morphogenetic protein receptor type 2; plus strand). Cytogenetic location: 2q33.1.
Variant type: Duplication.
Coding change: c.409dup on transcript NM_001204.7 (MANE Select); coding-DNA position 409, one base duplicated (A; older notation c.409dupA).
Protein change: p.Thr137fs; shifts the reading frame from threonine 137.
Molecular consequence: frameshift variant.
Genome position (GRCh38, 1-based): chr2:202,467,680, A duplicated; the last of 2 consecutive A bases (chr2:202,467,679-202,467,680); duplicating either gives the same sequence. VCF-style (leftmost placement, unchanged base first): chr2-202467678-C-CA. GRCh37 (hg19) VCF-style: chr2-203332401-C-CA.
Other names: short protein forms T137fs.
Identifiers: ClinVar variation 1423038 (VCV001423038.6), dbSNP rs2105962408, ClinGen allele CA2573134354.